The following is an entry in ClinVar:

NM_003086.4(SNAPC4):c.2159G>C (p.Arg720Pro)

Gene: SNAPC4 (small nuclear RNA activating complex polypeptide 4; minus strand). Cytogenetic location: 9q34.3.
Variant type: single nucleotide variant.
Coding change: c.2159G>C on transcript NM_003086.4 (MANE Select); coding-DNA position 2159, G replaced by C.
Protein change: p.Arg720Pro; replaces arginine 720 with proline.
Molecular consequence: missense variant.
Genome position (GRCh38, 1-based): chr9:136,381,982, C>G on the plus strand (G>C on the coding strand, the complement: SNAPC4 is on the minus strand). VCF-style: chr9-136381982-C-G. GRCh37 (hg19) VCF-style: chr9-139276434-C-G.
Other names: c.2159G>C, p.Arg720Pro (NM_001394201.1); c.2075G>C, p.Arg692Pro (NM_001394202.1, NM_001394203.1); short protein forms R692P, R720P.
Identifiers: ClinVar variation 3765842 (VCV003765842.1).

ClinVar aggregate classification (germline): Uncertain significance (1 of 4 stars; one submission).

Submission:

Greenwood Genetic Center Diagnostic Laboratories, Greenwood Genetic Center
Classification: Uncertain significance. Last evaluated: 2024-12-20. Review status: criteria provided, single submitter. Criteria: ACMG Guidelines, 2015. Collection method: clinical testing. Allele origin: germline. Affected: yes.
Comment: Gene of Uncertain Significance